The following is an entry in ClinVar:

NM_001367823.1(ARHGEF18):c.2014G>A (p.Gly672Arg)

Gene: ARHGEF18 (Rho/Rac guanine nucleotide exchange factor 18; plus strand). Cytogenetic location: 19p13.2.
Variant type: single nucleotide variant.
Coding change: c.2014G>A on transcript NM_001367823.1 (MANE Select); coding-DNA position 2014, G replaced by A.
Protein change: p.Gly672Arg; replaces glycine 672 with arginine.
Molecular consequence: missense variant.
Genome position (GRCh38, 1-based): chr19:7,453,625, G>A. VCF-style: chr19-7453625-G-A. GRCh37 (hg19) VCF-style: chr19-7518511-G-A.
Other names: c.1288G>A, p.Gly430Arg (NM_001130955.2); c.976G>A, p.Gly326Arg (NM_001367824.1, NM_015318.4); short protein forms G672R, G326R, G430R.
Identifiers: ClinVar variation 1953585 (VCV001953585.2), dbSNP rs374819073, ClinGen allele CA9136692.

ClinVar aggregate classification (germline): Uncertain significance (1 of 4 stars; one submission).

Allele frequency attached by ClinVar (database versions not stated): ExAC 0.00001; gnomAD exomes 0.00001; TOPMed 0.00002; ESP Exome Variant Server 0.00008.
gnomAD v4.1: 3 of 1,612,550 alleles (0.00019%); highest among the groups gnomAD compares: South Asian, 0.0022%; no homozygotes.

Submission:

Labcorp Genetics (formerly Invitae), Labcorp
Classification: Uncertain significance. Last evaluated: 2022-08-23. Review status: criteria provided, single submitter. Criteria: Invitae Variant Classification Sherloc (09022015). Collection method: clinical testing. Allele origin: germline.
Comment: This sequence change replaces glycine, which is neutral and non-polar, with arginine, which is basic and polar, at codon 484 of the ARHGEF18 protein (p.Gly484Arg). This variant is present in population databases (rs374819073, gnomAD 0.007%). This variant has not been reported in the literature in individuals affected with ARHGEF18-related conditions. Algorithms developed to predict the effect of missense changes on protein structure and function (SIFT, PolyPhen-2, Align-GVGD) all suggest that this variant is likely to be disruptive. In summary, the available evidence is currently insufficient to determine the role of this variant in disease. Therefore, it has been classified as a Variant of Uncertain Significance.